The following is an entry in ClinVar:

ClinVar aggregate classification (germline): Uncertain significance (1 of 4 stars; one submission).

Submission:

GeneDx
Classification: Uncertain significance. Last evaluated: 2023-01-18. Review status: criteria provided, single submitter. Criteria: GeneDx Variant Classification Process June 2021. Collection method: clinical testing. Allele origin: germline. Affected: yes.
Comment: Not observed at significant frequency in large population cohorts (gnomAD); In silico analysis supports that this missense variant does not alter protein structure/function; Has not been previously published as pathogenic or benign to our knowledge

NM_001042424.3(NSD2):c.3190G>C (p.Glu1064Gln)

Gene: NSD2 (nuclear receptor binding SET domain protein 2; plus strand). Cytogenetic location: 4p16.3.
Variant type: single nucleotide variant.
Coding change: c.3190G>C on transcript NM_001042424.3 (MANE Select); coding-DNA position 3190, G replaced by C.
Protein change: p.Glu1064Gln; replaces glutamic acid 1064 with glutamine.
Molecular consequence: missense variant.
Genome position (GRCh38, 1-based): chr4:1,959,675, G>C. VCF-style: chr4-1959675-G-C. GRCh37 (hg19) VCF-style: chr4-1961402-G-C.
Other names: c.3190G>C, p.Glu1064Gln (NM_133330.3, NM_133331.3, NM_133335.4); short protein forms E1064Q.
Identifiers: ClinVar variation 2573716 (VCV002573716.1), dbSNP rs2474661881, ClinGen allele CA355996171.
Genomic context (GRCh38, chr4:1,959,675, plus strand): 5'-CAGGTGTGTCCCGCGGGCGAGTTCTGCCAGAACCAGTGCTTCACCAAGCGCCAGTACCCA[G>C]AGACCAAGATCATCAAGACAGATGGCAAAGGGTGGGGCCTGGTCGCCAAGAGGGACATCA-3'
Protein context (NP_001035889.1, residues 1054-1074): NQCFTKRQYP[Glu1064Gln]TKIIKTDGKG